The following is an entry in ClinVar:

NM_001330360.2(POLA1):c.416A>G (p.Asn139Ser)

Gene: POLA1 (DNA polymerase alpha 1, catalytic subunit; plus strand). Cytogenetic location: Xp22.11.
Variant type: single nucleotide variant.
Coding change: c.416A>G on transcript NM_001330360.2 (MANE Select); coding-DNA position 416, A replaced by G.
Protein change: p.Asn139Ser; replaces asparagine 139 with serine.
Molecular consequence: missense variant. On other transcripts: non-coding transcript variant (2).
Genome position (GRCh38, 1-based): chrX:24,714,623, A>G. VCF-style: chrX-24714623-A-G. GRCh37 (hg19) VCF-style: chrX-24732740-A-G.
Other names: c.416A>G, p.Asn139Ser (NM_001378303.1); c.398A>G, p.Asn133Ser (NM_016937.4); short protein forms N139S, N133S.
Identifiers: ClinVar variation 2747056 (VCV002747056.3), dbSNP rs776450064, ClinGen allele CA10372778.
Genomic context (GRCh38, chrX:24,714,623, plus strand): 5'-GTAAAGCACGCAATAAAGACAAGAGGAATGTAAAGAAGCTCGCAGTGACAAAACCGAACA[A>G]CATTAAGTCAATGTTCATTGCTTGTGCTGGAAAGAAAACTGCAGATGTGAGTTTCATGGT-3'
Protein context (NP_001317289.1, residues 129-149): VKKLAVTKPN[Asn139Ser]IKSMFIACAG

ClinVar aggregate classification (germline): Uncertain significance (1 of 4 stars; one submission).

gnomAD v4.1: 3 of 1,196,229 alleles (0.00025%); highest among the groups gnomAD compares: African/African-American, 0.0035%; no homozygotes.

Submission:

Labcorp Genetics (formerly Invitae), Labcorp
Classification: Uncertain significance. Last evaluated: 2024-10-16. Review status: criteria provided, single submitter. Criteria: Invitae Variant Classification Sherloc (09022015). Collection method: clinical testing. Allele origin: germline.
Comment: This sequence change replaces asparagine, which is neutral and polar, with serine, which is neutral and polar, at codon 133 of the POLA1 protein (p.Asn133Ser). This variant is present in population databases (rs776450064, gnomAD 0.006%). This variant has not been reported in the literature in individuals affected with POLA1-related conditions. Invitae Evidence Modeling of protein sequence and biophysical properties (such as structural, functional, and spatial information, amino acid conservation, physicochemical variation, residue mobility, and thermodynamic stability) indicates that this missense variant is not expected to disrupt POLA1 protein function with a negative predictive value of 80%. In summary, the available evidence is currently insufficient to determine the role of this variant in disease. Therefore, it has been classified as a Variant of Uncertain Significance.